The following is an entry in ClinVar:

ClinVar aggregate classification (germline): Uncertain significance (1 of 4 stars; one submission).

Allele frequency attached by ClinVar (database versions not stated): ExAC 0.00001; 1000 Genomes Project 30x 0.00016; 1000 Genomes Project 0.00020.
gnomAD v4.1: 2 of 1,614,168 alleles (0.00012%); highest among the groups gnomAD compares: Admixed American, 0.0017%; no homozygotes.

Submission:

Labcorp Genetics (formerly Invitae), Labcorp
Classification: Uncertain significance. Last evaluated: 2022-06-26. Review status: criteria provided, single submitter. Criteria: Invitae Variant Classification Sherloc (09022015). Collection method: clinical testing. Allele origin: germline.
Comment: This sequence change replaces lysine, which is basic and polar, with threonine, which is neutral and polar, at codon 650 of the LOXL3 protein (p.Lys650Thr). This variant is present in population databases (rs551992223, gnomAD 0.007%). This variant has not been reported in the literature in individuals affected with LOXL3-related conditions. Algorithms developed to predict the effect of missense changes on protein structure and function are either unavailable or do not agree on the potential impact of this missense change (SIFT: "Deleterious"; PolyPhen-2: "Probably Damaging"; Align-GVGD: "Class C0"). In summary, the available evidence is currently insufficient to determine the role of this variant in disease. Therefore, it has been classified as a Variant of Uncertain Significance.

NM_032603.5(LOXL3):c.1949A>C (p.Lys650Thr)

Gene: LOXL3 (lysyl oxidase like 3; minus strand). Cytogenetic location: 2p13.1.
Variant type: single nucleotide variant.
Coding change: c.1949A>C on transcript NM_032603.5 (MANE Select); coding-DNA position 1949, A replaced by C.
Protein change: p.Lys650Thr; replaces lysine 650 with threonine.
Molecular consequence: missense variant.
Genome position (GRCh38, 1-based): chr2:74,534,227, T>G on the plus strand (A>C on the coding strand, the complement: LOXL3 is on the minus strand). VCF-style: chr2-74534227-T-G. GRCh37 (hg19) VCF-style: chr2-74761354-T-G.
Other names: c.1514A>C, p.Lys505Thr (NM_001289164.3); c.866A>C, p.Lys289Thr (NM_001289165.2); short protein forms K289T, K650T, K505T.
Identifiers: ClinVar variation 2052255 (VCV002052255.1), dbSNP rs551992223, ClinGen allele CA1728740.
Genomic context (GRCh38, chr2:74,534,227, plus strand): 5'-TAGAGATCCCAGCAACCCACAGTGATGCCTTGCTCTCCAAAGTTGGCACACTCATACCGC[T>G]TGGAGACATCTGGAGGGATTGGCATATGTCAGTGTAAGGAAAGGCTGTGCAATGGATACC-3'
Protein context (NP_115992.1, residues 640-660): EDTECQEDVS[Lys650Thr]RYECANFGEQ